The following is an entry in ClinVar:

ClinVar aggregate classification (germline): Uncertain significance (0 of 4 stars; one submission).

Conditions:
OTUD6B-related disorder. Also called: OTUD6B-related condition.

Submission:

PreventionGenetics, part of Exact Sciences
Classification: Uncertain significance for OTUD6B-related condition. Last evaluated: 2023-10-23. Review status: no assertion criteria provided. Collection method: clinical testing. Allele origin: germline.
Comment: The OTUD6B c.105G>C variant is predicted to result in the amino acid substitution p.Leu35Phe. To our knowledge, this variant has not been reported in the literature or in a large population database, indicating this variant is rare. At this time, the clinical significance of this variant is uncertain due to the absence of conclusive functional and genetic evidence.

NM_016023.5(OTUD6B):c.15G>C (p.Leu5Phe)

Genes: OTUD6B (OTU deubiquitinase 6B; plus strand), LOC130000726 (ATAC-STARR-seq lymphoblastoid active region 27614; plus strand). Cytogenetic location: 8q21.3.
Variant type: single nucleotide variant.
Coding change: c.15G>C on transcript NM_016023.5 (MANE Select); coding-DNA position 15, G replaced by C.
Protein change: p.Leu5Phe; replaces leucine 5 with phenylalanine.
Molecular consequence: missense variant. On other transcripts: 5 prime UTR variant (1).
Genome position (GRCh38, 1-based): chr8:91,070,399, G>C. VCF-style: chr8-91070399-G-C. GRCh37 (hg19) VCF-style: chr8-92082627-G-C.
Other names: c.-429G>C (NM_001286745.3); c.15G>C, p.Leu5Phe (NM_001416022.1); short protein forms L5F.
Identifiers: ClinVar variation 3029214 (VCV003029214.2), dbSNP rs2488407100, ClinGen allele CA371657483.